The following is an entry in ClinVar:

ClinVar aggregate classification (germline): Uncertain significance (1 of 4 stars; one submission).

Conditions:
Inborn genetic diseases. Identifiers: MedGen C0950123, MeSH D030342.

gnomAD v4.1: 1 of 1,614,116 alleles (0.000062%); highest among the groups gnomAD compares: Non-Finnish European, 0.000085%; no homozygotes.

Submission:

Ambry Genetics
Classification: Uncertain significance for Inborn genetic diseases. Last evaluated: 2025-12-14. Review status: criteria provided, single submitter. Criteria: Ambry Variant Classification Scheme 2023. Collection method: clinical testing. Allele origin: germline.
Comment: The p.V557A variant (also known as c.1670T>C), located in coding exon 8 of the MECOM gene, results from a T to C substitution at nucleotide position 1670. The valine at codon 557 is replaced by alanine, an amino acid with similar properties. This amino acid position is conserved. In addition, this alteration is predicted to be tolerated by in silico analysis. Based on the available evidence, the clinical significance of this variant remains unclear.

NM_004991.4(MECOM):c.1670T>C (p.Val557Ala)

Gene: MECOM (MDS1 and EVI1 complex locus; minus strand). Cytogenetic location: 3q26.2.
Variant type: single nucleotide variant.
Coding change: c.1670T>C on transcript NM_004991.4 (MANE Select); coding-DNA position 1670, T replaced by C.
Protein change: p.Val557Ala; replaces valine 557 with alanine.
Molecular consequence: missense variant. On other transcripts: intron variant (2).
Genome position (GRCh38, 1-based): chr3:169,116,202, A>G on the plus strand (T>C on the coding strand, the complement: MECOM is on the minus strand). VCF-style: chr3-169116202-A-G. GRCh37 (hg19) VCF-style: chr3-168833990-A-G.
Other names: c.1301T>C, p.Val434Ala (NM_001105077.4); c.1106T>C, p.Val369Ala (NM_001105078.4, NM_001164000.2, NM_001205194.2 and 4 more transcripts); c.1109T>C, p.Val370Ala (NM_001163999.2, NM_001366467.2, NM_001366468.2 and 1 more transcripts); c.1670T>C, p.Val557Ala (NM_001366466.2); c.1133-435T>C (NM_001366473.2); c.569-435T>C (NM_001366474.2); short protein forms V369A, V370A, V434A, V557A.
Identifiers: ClinVar variation 4624751 (VCV004624751.1).